The following is an entry in ClinVar:

ClinVar aggregate classification (germline): Likely pathogenic (1 of 4 stars; one submission).

Submission:

Labcorp Genetics (formerly Invitae), Labcorp
Classification: Likely pathogenic. Last evaluated: 2020-09-12. Review status: criteria provided, single submitter. Criteria: Invitae Variant Classification Sherloc (09022015). Collection method: clinical testing. Allele origin: germline.
Comment: In summary, the currently available evidence indicates that the variant is pathogenic, but additional data are needed to prove that conclusively. Therefore, this variant has been classified as Likely Pathogenic. Donor and acceptor splice site variants typically lead to a loss of protein function (PMID: 16199547), and loss-of-function variants in PROM1 are known to be pathogenic (PMID: 17605048, 19718270, 24154662). Algorithms developed to predict the effect of sequence changes on RNA splicing suggest that this variant may disrupt the consensus splice site, but this prediction has not been confirmed by published transcriptional studies. This variant has not been reported in the literature in individuals with PROM1-related conditions. This variant is not present in population databases (ExAC no frequency). This sequence change affects a donor splice site in intron 19 of the PROM1 gene. It is expected to disrupt RNA splicing and likely results in an absent or disrupted protein product.

Literature cited by the submitters: PubMed 16199547; PubMed 17605048; PubMed 19718270; PubMed 24154662.

NM_006017.3(PROM1):c.2130+1G>C

Gene: PROM1 (prominin 1; minus strand). Cytogenetic location: 4p15.32.
Variant type: single nucleotide variant.
Coding change: c.2130+1G>C on transcript NM_006017.3 (MANE Select); the canonical splice donor site of the intron after coding-DNA position 2130, G replaced by C.
Molecular consequence: splice donor variant.
Genome position (GRCh38, 1-based): chr4:15,987,662, C>G on the plus strand (G>C on the coding strand, the complement: PROM1 is on the minus strand). VCF-style: chr4-15987662-C-G. GRCh37 (hg19) VCF-style: chr4-15989285-C-G.
Other names: c.2103+1G>C (NM_001145848.2, NM_001145852.2, NM_001145847.2 and 4 more transcripts); c.2130+1G>C (NM_001145850.2, NM_001145849.2).
Identifiers: ClinVar variation 1067911 (VCV001067911.7), dbSNP rs1719804501, ClinGen allele CA356428914.